The following is an entry in ClinVar:

NM_001242.5(CD27):c.200C>T (p.Pro67Leu)

Genes: CD27 (CD27 molecule; plus strand), CD27-AS1 (CD27 antisense RNA 1; minus strand). Cytogenetic location: 12p13.31.
Variant type: single nucleotide variant.
Coding change: c.200C>T on transcript NM_001242.5 (MANE Select); coding-DNA position 200, C replaced by T.
Protein change: p.Pro67Leu; replaces proline 67 with leucine.
Molecular consequence: missense variant.
Genome position (GRCh38, 1-based): chr12:6,445,487, C>T. VCF-style: chr12-6445487-C-T. GRCh37 (hg19) VCF-style: chr12-6554653-C-T.
Other names: c.200C>T, p.Pro67Leu (NM_001413263.1, NM_001413264.1, NM_001413265.1); c.-251C>T (NM_001413266.1, NM_001413268.1); c.-339C>T (NM_001413267.1); short protein forms P67L.
Identifiers: ClinVar variation 1966847 (VCV001966847.7), dbSNP rs748647585, ClinGen allele CA6406900.

ClinVar aggregate classification (germline): Uncertain significance. Review status: criteria provided, multiple submitters, no conflicts (2 of 4 stars). 2 submissions from 2 submitters: Uncertain significance (2). Last evaluated 2025-11-13.

Conditions:
Inborn genetic diseases. Identifiers: MedGen C0950123, MeSH D030342.
Lymphoproliferative syndrome 2 (LPFS2). Also called: CD27 DEFICIENCY; Combined immunodeficiency due to CD27 deficiency. Identifiers: Orphanet 238505, MedGen C3554540, MONDO:0014054, OMIM 615122.

Allele frequency attached by ClinVar (database versions not stated): gnomAD 0.00001; TOPMed 0.00001; ExAC 0.00004.
gnomAD v4.1: 14 of 1,613,914 alleles (0.00087%); highest among the groups gnomAD compares: Admixed American, 0.0033%; no homozygotes.

Submissions (2):

Ambry Genetics
Classification: Uncertain significance for Inborn genetic diseases. Last evaluated: 2025-11-13. Review status: criteria provided, single submitter. Criteria: Ambry Variant Classification Scheme 2023. Collection method: clinical testing. Allele origin: germline.

Labcorp Genetics (formerly Invitae), Labcorp
Classification: Uncertain significance for Lymphoproliferative syndrome 2. Last evaluated: 2022-06-01. Review status: criteria provided, single submitter. Criteria: Invitae Variant Classification Sherloc (09022015). Collection method: clinical testing. Allele origin: germline.
Comment: This variant has not been reported in the literature in individuals affected with CD27-related conditions. This sequence change replaces proline, which is neutral and non-polar, with leucine, which is neutral and non-polar, at codon 67 of the CD27 protein (p.Pro67Leu). This variant is present in population databases (rs748647585, gnomAD 0.003%). Algorithms developed to predict the effect of missense changes on protein structure and function output the following: SIFT: "Deleterious"; PolyPhen-2: "Benign"; Align-GVGD: "Class C65". The leucine amino acid residue is found in multiple mammalian species, which suggests that this missense change does not adversely affect protein function. In summary, the available evidence is currently insufficient to determine the role of this variant in disease. Therefore, it has been classified as a Variant of Uncertain Significance.